The following is an entry in ClinVar:

NM_001035.3(RYR2):c.6556-119G>C

Gene: RYR2 (ryanodine receptor 2; plus strand). Cytogenetic location: 1q43.
Variant type: single nucleotide variant.
Coding change: c.6556-119G>C on transcript NM_001035.3 (MANE Select); 119 bases into the intron before coding-DNA position 6556, G replaced by C.
Molecular consequence: intron variant.
Genome position (GRCh38, 1-based): chr1:237,633,459, G>C. VCF-style: chr1-237633459-G-C. GRCh37 (hg19) VCF-style: chr1-237796759-G-C.
Identifiers: ClinVar variation 671773 (VCV000671773.2), dbSNP rs10925478, ClinGen allele CA10861606.
Genomic context (GRCh38, chr1:237,633,459, plus strand): 5'-TTTCATTGACTCAGGGACGAGGCAAATCGTAGTCTGCACATTTGAAGATCTTTGGTATCT[G>C]AAGTTTGGCACACACATGGACACACGGGGATTGACGATGTGATTGAGACCTCAACGTATG-3'

ClinVar aggregate classification (germline): Benign. Review status: criteria provided, multiple submitters, no conflicts (2 of 4 stars). 2 submissions from 2 submitters: Benign (2). Last evaluated 2018-06-16.

Allele frequency attached by ClinVar (database versions not stated): gnomAD 0.16379 and 0.17240; TOPMed 0.17579; gnomAD exomes 0.17825; 1000 Genomes Project 30x 0.24329; 1000 Genomes Project 0.24521.
gnomAD v4.1: 209,915 of 1,179,792 alleles (18%); highest among the groups gnomAD compares: East Asian, 40%; 21,365 homozygotes.

Submissions (2):

GeneDx
Classification: Benign. Last evaluated: 2018-06-16. Review status: criteria provided, single submitter. Criteria: GeneDx Variant Classification (06012015). Collection method: clinical testing. Allele origin: germline. Affected: yes.
Comment: This variant is considered likely benign or benign based on one or more of the following criteria: it is a conservative change, it occurs at a poorly conserved position in the protein, it is predicted to be benign by multiple in silico algorithms, and/or has population frequency not consistent with disease.

Breakthrough Genomics
Classification: Benign. Review status: criteria provided, single submitter. Criteria: ACMG Guidelines, 2015. Collection method: not provided. Allele origin: germline. Inheritance: Autosomal dominant inheritance. Affected: yes.